The following is an entry in ClinVar:

ClinVar aggregate classification (germline): Uncertain significance (1 of 4 stars; one submission).

Conditions:
Neuropathy, hereditary sensory and autonomic, type 2A (HSAN2A). Also called: HSAN IIA; WNK1-Related HSAN2 (HSAN2A); ACROOSTEOLYSIS, GIACCAI TYPE; ACROOSTEOLYSIS, NEUROGENIC; MORVAN DISEASE; NEUROPATHY, CONGENITAL SENSORY. Identifiers: Orphanet 970, MedGen C2752089, MONDO:0024309, OMIM 201300.
Pseudohypoaldosteronism type 2C (PHA2C). Also called: Pseudohypoaldosteronism Type IIC. Identifiers: Orphanet 757, Orphanet 88940, MedGen C1840391, MONDO:0013778, OMIM 614492.

Allele frequency attached by ClinVar (database versions not stated): TOPMed below 0.00001.
gnomAD v4.1: 3 of 1,611,184 alleles (0.00019%); highest among the groups gnomAD compares: Non-Finnish European, 0.00025%; no homozygotes.

Submission:

Labcorp Genetics (formerly Invitae), Labcorp
Classification: Uncertain significance for Neuropathy, hereditary sensory and autonomic, type 2A; Pseudohypoaldosteronism type 2C. Last evaluated: 2024-02-26. Review status: criteria provided, single submitter. Criteria: Invitae Variant Classification Sherloc (09022015). Collection method: clinical testing. Allele origin: germline.
Comment: This sequence change replaces proline, which is neutral and non-polar, with leucine, which is neutral and non-polar, at codon 178 of the WNK1 protein (p.Pro178Leu). This variant is not present in population databases (gnomAD no frequency). This variant has not been reported in the literature in individuals affected with WNK1-related conditions. Advanced modeling of protein sequence and biophysical properties (such as structural, functional, and spatial information, amino acid conservation, physicochemical variation, residue mobility, and thermodynamic stability) performed at Invitae indicates that this missense variant is not expected to disrupt WNK1 protein function with a negative predictive value of 95%. In summary, the available evidence is currently insufficient to determine the role of this variant in disease. Therefore, it has been classified as a Variant of Uncertain Significance.

NM_018979.4(WNK1):c.533C>T (p.Pro178Leu)

Gene: WNK1 (WNK lysine deficient protein kinase 1; plus strand). Cytogenetic location: 12p13.33.
Variant type: single nucleotide variant.
Coding change: c.533C>T on transcript NM_018979.4 (MANE Select); coding-DNA position 533, C replaced by T.
Protein change: p.Pro178Leu; replaces proline 178 with leucine.
Molecular consequence: missense variant.
Genome position (GRCh38, 1-based): chr12:754,098, C>T. VCF-style: chr12-754098-C-T. GRCh37 (hg19) VCF-style: chr12-863264-C-T.
Other names: c.533C>T, p.Pro178Leu (NM_001184985.2, NM_014823.3, NM_213655.5); short protein forms P178L.
Identifiers: ClinVar variation 2927887 (VCV002927887.3), dbSNP rs1435492464, ClinGen allele CA383307214.